The following is an entry in ClinVar:

NM_000222.3(KIT):c.842G>C (p.Arg281Thr)

Gene: KIT (KIT proto-oncogene, receptor tyrosine kinase; plus strand). Cytogenetic location: 4q12.
Variant type: single nucleotide variant.
Coding change: c.842G>C on transcript NM_000222.3 (MANE Select); coding-DNA position 842, G replaced by C.
Protein change: p.Arg281Thr; replaces arginine 281 with threonine.
Molecular consequence: missense variant.
Genome position (GRCh38, 1-based): chr4:54,703,809, G>C. VCF-style: chr4-54703809-G-C. GRCh37 (hg19) VCF-style: chr4-55569975-G-C.
Other names: c.842G>C, p.Arg281Thr (NM_001093772.2, NM_001385285.1, NM_001385286.1); c.845G>C, p.Arg282Thr (NM_001385284.1, NM_001385288.1, NM_001385290.1 and 1 more transcripts); short protein forms R281T, R282T.
Identifiers: ClinVar variation 2125351 (VCV002125351.5), dbSNP rs147367441, ClinGen allele CA356899866.
Genomic context (GRCh38, chr4:54,703,809, plus strand): 5'-GCTGGCATCACGGTGACTTCAATTATGAACGTCAGGCAACGTTGACTATCAGTTCAGCGA[G>C]AGTTAATGATTCTGGAGTGTTCATGTGTTATGCCAATAATACTTTTGGATCAGCAAATGT-3'
Protein context (NP_000213.1, residues 271-291): RQATLTISSA[Arg281Thr]VNDSGVFMCY

ClinVar aggregate classification (germline): Conflicting classifications of pathogenicity. Review status: criteria provided, conflicting classifications (1 of 4 stars). 2 submissions from 2 submitters: Uncertain significance (1); Likely benign (1). Last evaluated 2025-01-13.

Conditions:
Hereditary cancer-predisposing syndrome. Also called: Hereditary Cancer Syndrome; Hereditary neoplastic syndrome; Neoplastic Syndromes, Hereditary; Tumor predisposition. Identifiers: Orphanet 140162, MedGen C0027672, MeSH D009386, MONDO:0015356.
Gastrointestinal stromal tumor. Also called: Gastrointestinal stroma tumor; Gastrointestinal stromal tumor, somatic. Identifiers: Orphanet 44890, MedGen C0238198, MeSH D046152, MONDO:0011719, OMIM 606764, HP:0100723.

Submissions (2):

Ambry Genetics
Classification: Likely benign for Hereditary cancer-predisposing syndrome. Last evaluated: 2025-01-13. Review status: criteria provided, single submitter. Criteria: Ambry Variant Classification Scheme 2023. Collection method: clinical testing. Allele origin: germline.

Labcorp Genetics (formerly Invitae), Labcorp
Classification: Uncertain significance for Gastrointestinal stromal tumor. Last evaluated: 2024-03-24. Review status: criteria provided, single submitter. Criteria: Invitae Variant Classification Sherloc (09022015). Collection method: clinical testing. Allele origin: germline.
Comment: This sequence change replaces arginine, which is basic and polar, with threonine, which is neutral and polar, at codon 281 of the KIT protein (p.Arg281Thr). This variant is not present in population databases (gnomAD no frequency). This variant has not been reported in the literature in individuals affected with KIT-related conditions. ClinVar contains an entry for this variant (Variation ID: 2125351). An algorithm developed to predict the effect of missense changes on protein structure and function (PolyPhen-2) suggests that this variant is likely to be tolerated. In summary, the available evidence is currently insufficient to determine the role of this variant in disease. Therefore, it has been classified as a Variant of Uncertain Significance.